The following is an entry in ClinVar:

ClinVar aggregate classification (germline): Uncertain significance (1 of 4 stars; one submission).

gnomAD v4.1: 4 of 1,613,848 alleles (0.00025%); highest among the groups gnomAD compares: Non-Finnish European, 0.00034%; no homozygotes.

Submission:

GeneDx
Classification: Uncertain significance. Last evaluated: 2025-01-09. Review status: criteria provided, single submitter. Criteria: GeneDx Variant Classification Process June 2021. Collection method: clinical testing. Allele origin: germline. Affected: yes.
Comment: Not observed at significant frequency in large population cohorts (gnomAD); In silico analysis indicates that this missense variant does not alter protein structure/function; Has not been previously published as pathogenic or benign to our knowledge

NM_005121.3(MED13):c.538A>G (p.Ile180Val)

Gene: MED13 (mediator complex subunit 13; minus strand). Cytogenetic location: 17q23.2.
Variant type: single nucleotide variant.
Coding change: c.538A>G on transcript NM_005121.3 (MANE Select); coding-DNA position 538, A replaced by G.
Protein change: p.Ile180Val; replaces isoleucine 180 with valine.
Molecular consequence: missense variant.
Genome position (GRCh38, 1-based): chr17:62,035,541, T>C on the plus strand (A>G on the coding strand, the complement: MED13 is on the minus strand). VCF-style: chr17-62035541-T-C. GRCh37 (hg19) VCF-style: chr17-60112902-T-C.
Other names: short protein forms I180V.
Identifiers: ClinVar variation 4057020 (VCV004057020.1).